The following is an entry in ClinVar:

NM_002474.3(MYH11):c.2237C>G (p.Ala746Gly)

Gene: MYH11 (myosin heavy chain 11; minus strand). Cytogenetic location: 16p13.11.
Variant type: single nucleotide variant.
Coding change: c.2237C>G on transcript NM_002474.3 (MANE Select); coding-DNA position 2237, C replaced by G.
Protein change: p.Ala746Gly; replaces alanine 746 with glycine.
Molecular consequence: missense variant.
Genome position (GRCh38, 1-based): chr16:15,747,887, G>C on the plus strand (C>G on the coding strand, the complement: MYH11 is on the minus strand). VCF-style: chr16-15747887-G-C. GRCh37 (hg19) VCF-style: chr16-15841744-G-C.
Other names: c.2258C>G, p.Ala753Gly (NM_001040113.2, NM_001040114.2); c.2237C>G, p.Ala746Gly (NM_022844.3); short protein forms A753G, A746G.
Identifiers: ClinVar variation 405484 (VCV000405484.12), dbSNP rs778651094, ClinGen allele CA7922347.

ClinVar aggregate classification (germline): Uncertain significance. Review status: criteria provided, multiple submitters, no conflicts (2 of 4 stars). 4 submissions from 4 submitters: Uncertain significance (4). Last evaluated 2023-07-29.

Conditions:
Familial thoracic aortic aneurysm and aortic dissection (TAAD). Also called: Thoracic aortic aneurysms and dissections. Identifiers: Orphanet 91387, MedGen C4707243, MONDO:0019625.
Aortic aneurysm, familial thoracic 4 (AAT4). Also called: AORTIC ANEURYSM/AORTIC DISSECTION AND PATENT DUCTUS ARTERIOSUS. Identifiers: MedGen C1851504, MONDO:0007568, OMIM 132900.

Allele frequency attached by ClinVar (database versions not stated): gnomAD 0.00001; TOPMed 0.00001; ExAC 0.00002; gnomAD exomes 0.00002.
gnomAD v4.1: 27 of 1,613,830 alleles (0.0017%); highest among the groups gnomAD compares: Non-Finnish European, 0.0011%; no homozygotes.

Submissions (4):

Women's Health and Genetics/Laboratory Corporation of America, LabCorp
Classification: Uncertain significance. Last evaluated: 2023-07-29. Review status: criteria provided, single submitter. Criteria: LabCorp Variant Classification Summary - May 2015. Collection method: clinical testing. Allele origin: germline.

Labcorp Genetics (formerly Invitae), Labcorp
Classification: Uncertain significance for Aortic aneurysm, familial thoracic 4. Last evaluated: 2022-09-27. Review status: criteria provided, single submitter. Criteria: Invitae Variant Classification Sherloc (09022015). Collection method: clinical testing. Allele origin: germline.
Comment: This sequence change replaces alanine, which is neutral and non-polar, with glycine, which is neutral and non-polar, at codon 753 of the MYH11 protein (p.Ala753Gly). This variant is present in population databases (rs778651094, gnomAD 0.008%). This variant has not been reported in the literature in individuals affected with MYH11-related conditions. ClinVar contains an entry for this variant (Variation ID: 405484). Advanced modeling of protein sequence and biophysical properties (such as structural, functional, and spatial information, amino acid conservation, physicochemical variation, residue mobility, and thermodynamic stability) performed at Invitae indicates that this missense variant is not expected to disrupt MYH11 protein function. In summary, the available evidence is currently insufficient to determine the role of this variant in disease. Therefore, it has been classified as a Variant of Uncertain Significance.

GeneDx
Classification: Uncertain significance. Last evaluated: 2022-07-29. Review status: criteria provided, single submitter. Criteria: GeneDx Variant Classification Process June 2021. Collection method: clinical testing. Allele origin: germline. Affected: yes.
Comment: Has not been previously published as pathogenic or benign to our knowledge; In silico analysis supports that this missense variant has a deleterious effect on protein structure/function

Ambry Genetics
Classification: Uncertain significance for Familial thoracic aortic aneurysm and aortic dissection. Last evaluated: 2021-11-19. Review status: criteria provided, single submitter. Criteria: Ambry Variant Classification Scheme 2023. Collection method: clinical testing. Allele origin: germline.
Comment: The p.A746G variant (also known as c.2237C>G), located in coding exon 17 of the MYH11 gene, results from a C to G substitution at nucleotide position 2237. The alanine at codon 746 is replaced by glycine, an amino acid with similar properties. This amino acid position is conserved. In addition, the in silico prediction for this alteration is inconclusive. Since supporting evidence is limited at this time, the clinical significance of this alteration remains unclear.